The following is an entry in ClinVar:

NM_000059.4(BRCA2):c.5534G>A (p.Arg1845Lys)

Gene: BRCA2 (BRCA2 DNA repair associated; plus strand). Cytogenetic location: 13q13.1.
Variant type: single nucleotide variant.
Coding change: c.5534G>A on transcript NM_000059.4 (MANE Select); coding-DNA position 5534, G replaced by A.
Protein change: p.Arg1845Lys; replaces arginine 1845 with lysine.
Molecular consequence: missense variant.
Genome position (GRCh38, 1-based): chr13:32,339,889, G>A. VCF-style: chr13-32339889-G-A. GRCh37 (hg19) VCF-style: chr13-32914026-G-A.
Other names: short protein forms R1845K.
Identifiers: ClinVar variation 825810 (VCV000825810.15), dbSNP rs1593905700, ClinGen allele CA387785923.

ClinVar aggregate classification (germline): Conflicting classifications of pathogenicity. Review status: criteria provided, conflicting classifications (1 of 4 stars). 5 submissions from 5 submitters: Uncertain significance (3); Likely benign (1). 1 of the submissions does not count toward it. Last evaluated 2023-12-05.

Conditions:
Hereditary breast ovarian cancer syndrome. Also called: Hereditary breast and ovarian cancer syndrome; Hereditary breast and ovarian cancer; Hereditary breast and ovarian cancer syndrome (HBOC); Breast and ovarian cancer; Hereditary breast and/or ovarian cancer syndrome; BRCA1- and BRCA2-Associated Hereditary Breast and Ovarian Cancer. Identifiers: Orphanet 145, MedGen C0677776, MeSH D061325, MONDO:0003582. Disease mechanism: loss of function.
Hereditary cancer-predisposing syndrome. Also called: Neoplastic Syndromes, Hereditary; Tumor predisposition; Hereditary neoplastic syndrome; Hereditary Cancer Syndrome. Identifiers: Orphanet 140162, MedGen C0027672, MeSH D009386, MONDO:0015356.
Familial cancer of breast. Also called: BREAST CANCER, FAMILIAL; Hereditary breast cancer; hereditary breast carcinoma. Identifiers: Orphanet 227535, MedGen C0346153, MONDO:0016419, OMIM 114480. Disease mechanism: loss of function.

Submissions (5):

Color Diagnostics, LLC DBA Color Health
Classification: Uncertain significance for Hereditary cancer-predisposing syndrome. Last evaluated: 2023-12-05. Review status: criteria provided, single submitter. Criteria: ACMG Guidelines, 2015. Collection method: clinical testing. Allele origin: germline.
Comment: This missense variant replaces arginine with lysine at codon 1845 of the BRCA2 protein. Computational prediction suggests that this variant may not impact protein structure and function (internally defined REVEL score threshold <= 0.5, PMID: 27666373). To our knowledge, functional studies have not been reported for this variant. This variant has not been reported in individuals affected with BRCA2-related disorders in the literature. This variant has not been identified in the general population by the Genome Aggregation Database (gnomAD). The available evidence is insufficient to determine the role of this variant in disease conclusively. Therefore, this variant is classified as a Variant of Uncertain Significance.

University of Washington Department of Laboratory Medicine, University of Washington
Classification: Likely benign for Hereditary cancer-predisposing syndrome. Last evaluated: 2023-03-23. Review status: criteria provided, single submitter. Criteria: Dines et al. (Genet Med. 2020). Collection method: curation. Allele origin: germline.
Comment: Missense variant in a coldspot region where missense variants are very unlikely to be pathogenic (PMID:31911673).

BRCA2 exon 11 coldspot. Reclassification based on statistical prior probability.

Labcorp Genetics (formerly Invitae), Labcorp
Classification: Uncertain significance for Hereditary breast ovarian cancer syndrome. Last evaluated: 2023-02-01. Review status: criteria provided, single submitter. Criteria: Invitae Variant Classification Sherloc (09022015). Collection method: clinical testing. Allele origin: germline.
Comment: This sequence change replaces arginine, which is basic and polar, with lysine, which is basic and polar, at codon 1845 of the BRCA2 protein (p.Arg1845Lys). This variant is not present in population databases (gnomAD no frequency). This variant has not been reported in the literature in individuals affected with BRCA2-related conditions. ClinVar contains an entry for this variant (Variation ID: 825810). Advanced modeling of protein sequence and biophysical properties (such as structural, functional, and spatial information, amino acid conservation, physicochemical variation, residue mobility, and thermodynamic stability) performed at Invitae indicates that this missense variant is not expected to disrupt BRCA2 protein function. In summary, the available evidence is currently insufficient to determine the role of this variant in disease. Therefore, it has been classified as a Variant of Uncertain Significance.

Ambry Genetics
Classification: Uncertain significance for Hereditary cancer-predisposing syndrome. Last evaluated: 2018-12-18. Review status: criteria provided, single submitter. Criteria: Ambry Variant Classification Scheme 2023. Collection method: clinical testing. Allele origin: germline.
Comment: The p.R1845K variant (also known as c.5534G>A), located in coding exon 10 of the BRCA2 gene, results from a G to A substitution at nucleotide position 5534. The arginine at codon 1845 is replaced by lysine, an amino acid with highly similar properties. This amino acid position is poorly conserved in available vertebrate species. In addition, this alteration is predicted to be tolerated by in silico analysis. Since supporting evidence is limited at this time, the clinical significance of this alteration remains unclear.

Center for Precision Medicine, Meizhou People's Hospital
Classification: Uncertain significance for Familial cancer of breast. Review status: no assertion criteria provided. Collection method: curation. Allele origin: germline. Affected: yes. Not counted in ClinVar's aggregate classification.